The following is an entry in ClinVar:

NM_022168.4(IFIH1):c.2644A>C (p.Met882Leu)

Gene: IFIH1 (interferon induced with helicase C domain 1; minus strand). Cytogenetic location: 2q24.2.
Variant type: single nucleotide variant.
Coding change: c.2644A>C on transcript NM_022168.4 (MANE Select); coding-DNA position 2644, A replaced by C.
Protein change: p.Met882Leu; replaces methionine 882 with leucine.
Molecular consequence: missense variant.
Genome position (GRCh38, 1-based): chr2:162,268,250, T>G on the plus strand (A>C on the coding strand, the complement: IFIH1 is on the minus strand). VCF-style: chr2-162268250-T-G. GRCh37 (hg19) VCF-style: chr2-163124760-T-G.
Other names: short protein forms M882L.
Identifiers: ClinVar variation 1504831 (VCV001504831.6), dbSNP rs2105187946, ClinGen allele CA348992271.
Genomic context (GRCh38, chr2:162,268,250, plus strand): 5'-GTGATGGGTTATTCTTGTAATGCTTGGCAATATTTCTCTTGGTTTTCATTTTCTTTTCCA[T>G]TATACTTTGCATCTGTAATTCCAAAATCTGGACAGAGAAAGGAATAGTTAGTGGTTTCAG-3'
Protein context (NP_071451.2, residues 872-892): KILELQMQSI[Met882Leu]EKKMKTKRNI

ClinVar aggregate classification (germline): Uncertain significance (1 of 4 stars; one submission).

Conditions:
Singleton-Merten syndrome 1 (SGMRT1). Also called: Widened medullary cavities of bone, aortic calcification, abnormal dentition, and muscular weakness; Syndrome of widened medullary cavities of the metacarpals and phalanges, aortic calcification and abnormal dentition. Identifiers: Orphanet 85191, MedGen C4225427, MONDO:0024535, OMIM 182250.
Aicardi-Goutieres syndrome 7 (AGS7). Identifiers: Orphanet 51, MedGen C3888244, MONDO:0014367, OMIM 615846.

Submission:

Labcorp Genetics (formerly Invitae), Labcorp
Classification: Uncertain significance for Aicardi-Goutieres syndrome 7; Singleton-Merten syndrome 1. Last evaluated: 2023-11-10. Review status: criteria provided, single submitter. Criteria: Invitae Variant Classification Sherloc (09022015). Collection method: clinical testing. Allele origin: germline.
Comment: This sequence change replaces methionine, which is neutral and non-polar, with leucine, which is neutral and non-polar, at codon 882 of the IFIH1 protein (p.Met882Leu). This variant is not present in population databases (gnomAD no frequency). This variant has not been reported in the literature in individuals affected with IFIH1-related conditions. ClinVar contains an entry for this variant (Variation ID: 1504831). Algorithms developed to predict the effect of missense changes on protein structure and function output the following: SIFT: "Not Available"; PolyPhen-2: "Benign"; Align-GVGD: "Not Available". The leucine amino acid residue is found in multiple mammalian species, which suggests that this missense change does not adversely affect protein function. In summary, the available evidence is currently insufficient to determine the role of this variant in disease. Therefore, it has been classified as a Variant of Uncertain Significance.